The following is an entry in ClinVar:

NM_000061.3(BTK):c.934G>C (p.Ala312Pro)

Gene: BTK (Bruton tyrosine kinase; minus strand). Cytogenetic location: Xq22.1.
Variant type: single nucleotide variant.
Coding change: c.934G>C on transcript NM_000061.3 (MANE Select); coding-DNA position 934, G replaced by C.
Protein change: p.Ala312Pro; replaces alanine 312 with proline.
Molecular consequence: missense variant.
Genome position (GRCh38, 1-based): chrX:101,358,657, C>G on the plus strand (G>C on the coding strand, the complement: BTK is on the minus strand). VCF-style: chrX-101358657-C-G. GRCh37 (hg19) VCF-style: chrX-100613645-C-G.
Other names: c.1036G>C, p.Ala346Pro (NM_001287344.2); c.934G>C, p.Ala312Pro (NM_001287345.2); short protein forms A312P, A346P.
Identifiers: ClinVar variation 1026105 (VCV001026105.7), dbSNP rs1926563146, ClinGen allele CA413929057.

ClinVar aggregate classification (germline): Uncertain significance (1 of 4 stars; one submission).

Conditions:
X-linked agammaglobulinemia with growth hormone deficiency (IGHD3). Also called: HYPOGAMMAGLOBULINEMIA AND ISOLATED GROWTH HORMONE DEFICIENCY, X-LINKED; IGHD III; FLEISHER SYNDROME; Isolated growth hormone deficiency type 3; Growth hormone deficiency with hypogammaglobulinemia; ISOLATED GROWTH HORMONE DEFICIENCY, TYPE III, WITH AGAMMAGLOBULINEMIA. Identifiers: Orphanet 231692, Orphanet 631, MedGen C0472813, MONDO:0010615, OMIM 307200.

Submission:

Labcorp Genetics (formerly Invitae), Labcorp
Classification: Uncertain significance for X-linked agammaglobulinemia with growth hormone deficiency. Last evaluated: 2024-10-16. Review status: criteria provided, single submitter. Criteria: Invitae Variant Classification Sherloc (09022015). Collection method: clinical testing. Allele origin: germline.
Comment: This sequence change replaces alanine, which is neutral and non-polar, with proline, which is neutral and non-polar, at codon 312 of the BTK protein (p.Ala312Pro). This variant is not present in population databases (gnomAD no frequency). This variant has not been reported in the literature in individuals affected with BTK-related conditions. ClinVar contains an entry for this variant (Variation ID: 1026105). Invitae Evidence Modeling of protein sequence and biophysical properties (such as structural, functional, and spatial information, amino acid conservation, physicochemical variation, residue mobility, and thermodynamic stability) indicates that this missense variant is not expected to disrupt BTK protein function with a negative predictive value of 95%. In summary, the available evidence is currently insufficient to determine the role of this variant in disease. Therefore, it has been classified as a Variant of Uncertain Significance.